The following is an entry in ClinVar:

NM_001267550.2(TTN):c.81262_81269del (p.Gln27088fs)

Genes: TTN (titin; minus strand), TTN-AS1 (TTN antisense RNA 1; plus strand). Cytogenetic location: 2q31.2.
Variant type: Deletion.
Coding change: c.81262_81269del on transcript NM_001267550.2 (MANE Select); coding-DNA positions 81262 to 81269, 8 bases deleted (CAGATGCT; older notation c.81262_81269delCAGATGCT).
Protein change: p.Gln27088fs; shifts the reading frame from glutamine 27088.
Molecular consequence: frameshift variant.
Genome position (GRCh38, 1-based): chr2:178,564,863-178,564,870, AGCATCTG deleted on the plus strand (CAGATGCT on the coding strand, the reverse complement: TTN is on the minus strand); deleting any 8 consecutive bases within chr2:178,564,863-178,564,871 gives the same sequence; the c. name uses the placement nearest the transcript's 3' end. VCF-style (leftmost placement, unchanged base first): chr2-178564862-AAGCATCTG-A. GRCh37 (hg19) VCF-style: chr2-179429589-AAGCATCTG-A.
Other names: c.76339_76346del, p.Gln25447fs (NM_001256850.1); c.54067_54074del, p.Gln18023fs (NM_003319.4); c.73558_73565del, p.Gln24520fs (NM_133378.4); c.54442_54449del, p.Gln18148fs (NM_133432.3); c.54643_54650del, p.Gln18215fs (NM_133437.4); c.81262_81269del (LRG_391t1); c.81262_81269delCAGATGCT (NM_001267550.1); short protein forms Q18148fs, Q25447fs, Q18215fs, Q18023fs, Q24520fs, Q27088fs.
Identifiers: ClinVar variation 223293 (VCV000223293.13), dbSNP rs869312059, ClinGen allele CA353247.

ClinVar aggregate classification (germline): Likely pathogenic. Review status: criteria provided, multiple submitters, no conflicts (2 of 4 stars). 3 submissions from 3 submitters: Likely pathogenic (3). Last evaluated 2020-09-22.

Conditions:
Dilated cardiomyopathy 1G (CMD1G). Identifiers: Orphanet 154, MedGen C1858763, MONDO:0011400, OMIM 604145.
Autosomal recessive limb-girdle muscular dystrophy type 2J (LGMDR10). Also called: Limb-girdle muscular dystrophy, type 2J; MUSCULAR DYSTROPHY, LIMB-GIRDLE, AUTOSOMAL RECESSIVE 10. Identifiers: Orphanet 140922, MedGen C1837342, MONDO:0012127, OMIM 608807.
Primary dilated cardiomyopathy (DCM). Also called: Dilated Cardiomyopathy. Identifiers: Orphanet 217604, MedGen C0007193, MeSH D002311, MONDO:0005021, HP:0001644. Inheritance: Various modes of inheritance.

Submissions (3):

Labcorp Genetics (formerly Invitae), Labcorp
Classification: Likely pathogenic for Dilated cardiomyopathy 1G; Autosomal recessive limb-girdle muscular dystrophy type 2J. Last evaluated: 2020-09-22. Review status: criteria provided, single submitter. Criteria: Invitae Variant Classification Sherloc (09022015). Collection method: clinical testing. Allele origin: germline.
Comment: This variant has been observed in individual(s) with dilated cardiomyopathy (PMID: 25589632). ClinVar contains an entry for this variant (Variation ID: 223293). In summary, the currently available evidence indicates that the variant is pathogenic, but additional data are needed to prove that conclusively. Therefore, this variant has been classified as Likely Pathogenic. This variant is located in the A band of TTN (PMID: 25589632). Truncating variants in this region are significantly overrepresented in patients affected with dilated cardiomyopathy (PMID: 25589632). Truncating variants in this region have also been reported in individuals affected with autosomal recessive centronuclear myopathy (PMID: 23975875). This variant is not present in population databases (ExAC no frequency). This sequence change results in a premature translational stop signal in the TTN gene (p.Gln27088Cysfs*5). While this is not anticipated to result in nonsense mediated decay, it is expected to create a truncated TTN protein.

Royal Brompton Clinical Genetics And Genomics Laboratory, NHS South East Genomic Laboratory Hub
Classification: Likely pathogenic for Dilated cardiomyopathy. Last evaluated: 2017-09-07. Review status: criteria provided, single submitter. Criteria: RBHT-CGGL ClinVar Assertion Criteria. Collection method: clinical testing. Allele origin: germline. Affected: yes. Observed: 1 variant allele.
Comment: This frameshift variant has not been detected in large population studies (ExAC database), but has been found in two patients from an internal research DCM cohort (ClinVar variation ID: 223293) . The TTN protein has a critical role in the mechanical properties of cardiac muscle cells. Truncating variants in TTN are a known major cause of DCM (15-20% of cases), and although 1-3% of healthy individuals have truncating TTN variants (Herman et al. 2012 N Engl J Med.366(7):61928) these variants are more likely to reside in TTN isoforms with lower functional expression in cardiac tissue. Pathogenic TTN truncating variants have been shown to cluster in exons with a functional expression above 90% (Roberts et al. 2015 Sci Transl Med. 7(270):270ra6). The c.81262_81269del variant occurs in an exon which is expressed in 100% of TTN cardiac isoforms (Roberts et al. (2015)) and is therefore likely to be pathogenic.

Cardiovascular Biomedical Research Unit, Royal Brompton & Harefield NHS Foundation Trust
Classification: Likely pathogenic for Primary dilated cardiomyopathy. Last evaluated: 2014-10-08. Review status: criteria provided, single submitter. Criteria: Roberts et al. 2015. Collection method: research. Allele origin: germline. Inheritance: Autosomal dominant inheritance. Affected: yes. Observed: 2 variant alleles. Study: Unselected DCM.
Comment: This TTN truncating variant (TTNtv) was identified in two individuals in this cohort and is located in an exon that is highly expressed in the heart. In the seven cohorts assessed, TTNtv were found in 14% of ambulant DCM, 22% end-stage or familial DCM, and 2% controls. Heterozygous nonsense, frameshift and canonical splice-disrupting variants found in constitutive and other highly utilised exons are highly likely to be pathogenic when identified in individuals with phenotypically confirmed DCM. TTNtv found incidentally in healthy individuals (excluding familial assessment of DCM relatives) are thought to have low penetrance, particularly when identified in exons that are not constitutively expressed in the heart.

Literature cited by the submitters: PubMed 25589632 (cited by Labcorp Genetics (formerly Invitae), Labcorp); PubMed 23975875 (cited by Labcorp Genetics (formerly Invitae), Labcorp).